The following is an entry in ClinVar:

NM_001848.3(COL6A1):c.2434+15_2434+54del

Gene: COL6A1 (collagen type VI alpha 1 chain; plus strand). Cytogenetic location: 21q22.3.
Variant type: Deletion.
Coding change: c.2434+15_2434+54del on transcript NM_001848.3 (MANE Select); bases 15 to 54 of the intron after coding-DNA position 2434, 40 bases deleted.
Molecular consequence: intron variant.
Genome position (GRCh38, 1-based): chr21:46,002,725-46,002,764, 40 bases deleted; deleting any 40 consecutive bases within chr21:46,002,719-46,002,764 gives the same sequence; the c. name uses the placement nearest the transcript's 3' end. GRCh37 (hg19): chr21:47,422,639-47,422,678.
Other names: p.?; c.2434+15_2434+54delACCCGGGCAGTCCCAGATCTGCGTAGGTGCGCGCGGGGCC (NM_001848.2); c.2434+15_2434+54del40 (NM_001848.2).
Identifiers: ClinVar variation 421765 (VCV000421765.14), dbSNP rs1064795349, ClinGen allele CA10070870.

ClinVar aggregate classification (germline): Benign/Likely benign. Review status: criteria provided, multiple submitters, no conflicts (2 of 4 stars). 4 submissions from 3 submitters: Benign (2); Likely benign (1). 1 of the submissions does not count toward it. Last evaluated 2026-01-24.

Conditions:
Bethlem myopathy 1A. Also called: Bethlem myopathy 1; MYOPATHY, BENIGN CONGENITAL, WITH CONTRACTURES; Bethlem Muscular Dystrophy. Identifiers: Orphanet 610, MedGen CN029274, MONDO:0024530, OMIM 158810.

Submissions (4):

Labcorp Genetics (formerly Invitae), Labcorp
Classification: Benign for Bethlem myopathy 1A. Last evaluated: 2026-01-24. Review status: criteria provided, single submitter. Criteria: Invitae Variant Classification Sherloc (09022015). Collection method: clinical testing. Allele origin: germline.

Mayo Clinic Laboratories, Mayo Clinic
Classification: Benign. Last evaluated: 2024-02-19. Review status: criteria provided, single submitter. Criteria: ACMG Guidelines, 2015. Collection method: clinical testing. Allele origin: germline. Observed: 3 variant alleles.
Comment: BS1, BS2, BP4

GeneDx
Classification: Likely benign. Last evaluated: 2019-09-02. Review status: criteria provided, single submitter. Criteria: GeneDx Variant Classification Process June 2021. Collection method: clinical testing. Allele origin: germline. Affected: yes.

GeneDx
Classification: Likely benign. Last evaluated: 2016-08-10. Review status: flagged submission. Criteria: GeneDx Variant Classification (06012015). Collection method: clinical testing. Allele origin: germline. Affected: yes. Not counted in ClinVar's aggregate classification.
Comment: This variant is considered likely benign or benign based on one or more of the following criteria: it is a conservative change, it occurs at a poorly conserved position in the protein, it is predicted to be benign by multiple in silico algorithms, and/or has population frequency not consistent with disease.
ClinVar note: Reason: This record appears to be redundant with a more recent record from the same submitter.
ClinVar note: Notes: SCV000571065 appears to be redundant with SCV001770444.